The following is an entry in ClinVar:

ClinVar aggregate classification (germline): Uncertain significance. Review status: criteria provided, multiple submitters, no conflicts (2 of 4 stars). 3 submissions from 3 submitters: Uncertain significance (3). Last evaluated 2025-06-09.

Conditions:
Multiple endocrine neoplasia type 2B. Also called: Multiple endocrine neoplasia, type 3; MULTIPLE ENDOCRINE NEOPLASIA, TYPE IIB; MEN IIB; NEUROMATA, MUCOSAL, WITH ENDOCRINE TUMORS; WAGENMANN-FROBOESE SYNDROME; MULTIPLE ENDOCRINE NEOPLASIA, TYPE III. Identifiers: Orphanet 247709, Orphanet 653, MedGen C0025269, MeSH D018814, MONDO:0008082, OMIM 162300.
Pheochromocytoma. Also called: MAX-Related Hereditary Paraganglioma-Pheochromocytoma Syndrome. Identifiers: Orphanet 29072, MedGen C0031511, MONDO:0008233, OMIM 171300, HP:0002666.
Familial medullary thyroid carcinoma (MTC). Also called: Thyroid cancer, familial medullary; MTC, familial; Familial Medullary Thyroid Carcinoma (FMTC). Identifiers: Orphanet 653, Orphanet 99361, MedGen C1833921, MONDO:0007958, OMIM 155240.
Hirschsprung disease, susceptibility to, 1 (HSCR1). Also called: RET-Related Hirschsprung Disease. Identifiers: Orphanet 388, MedGen C3888239, MONDO:0007723, OMIM 142623.
Multiple endocrine neoplasia type 2A. Also called: MULTIPLE ENDOCRINE NEOPLASIA, TYPE IIA; PTC SYNDROME; SIPPLE SYNDROME; MEN 2A; MEN-2A syndrome; Pheochromocytoma and amyloid producing medullary thyroid carcinoma. Identifiers: Orphanet 247698, Orphanet 653, MedGen C0025268, MeSH D018813, MONDO:0008234, OMIM 171400.
Hereditary cancer-predisposing syndrome. Also called: Neoplastic Syndromes, Hereditary; Tumor predisposition; Hereditary Cancer Syndrome; Hereditary neoplastic syndrome. Identifiers: Orphanet 140162, MedGen C0027672, MeSH D009386, MONDO:0015356.
Multiple endocrine neoplasia, type 2 (MEN2). Identifiers: Orphanet 653, MedGen C4048306, MONDO:0019003. Disease mechanism: gain of function.

Submissions (3):

Color Diagnostics, LLC DBA Color Health
Classification: Uncertain significance for Multiple endocrine neoplasia, type 2. Last evaluated: 2025-06-09. Review status: criteria provided, single submitter. Criteria: ACMG Guidelines, 2015. Collection method: clinical testing. Allele origin: germline.
Comment: This missense variant replaces threonine with serine at codon 92 of the RET protein. Computational prediction suggests that this variant may not impact protein structure and function. To our knowledge, functional studies have not been reported for this variant. This variant has not been reported in individuals affected with RET-related disorders in the literature. This variant has not been identified in the general population by the Genome Aggregation Database (gnomAD). The available evidence is insufficient to determine the role of this variant in disease conclusively. Therefore, this variant is classified as a Variant of Uncertain Significance.

Fulgent Genetics
Classification: Uncertain significance for Hirschsprung disease, susceptibility to, 1; Familial medullary thyroid carcinoma; Multiple endocrine neoplasia type 2B; Pheochromocytoma; Multiple endocrine neoplasia type 2A. Last evaluated: 2024-04-23. Review status: criteria provided, single submitter. Criteria: ACMG Guidelines, 2015. Collection method: clinical testing. Allele origin: germline.

Ambry Genetics
Classification: Uncertain significance for Hereditary cancer-predisposing syndrome. Last evaluated: 2023-10-19. Review status: criteria provided, single submitter. Criteria: Ambry Variant Classification Scheme 2023. Collection method: clinical testing. Allele origin: germline.
Comment: The p.T92S variant (also known as c.275C>G), located in coding exon 2 of the RET gene, results from a C to G substitution at nucleotide position 275. The threonine at codon 92 is replaced by serine, an amino acid with similar properties. This amino acid position is conserved. In addition, this alteration is predicted to be tolerated by in silico analysis. Since supporting evidence is limited at this time, the clinical significance of this alteration remains unclear.

NM_020975.6(RET):c.275C>G (p.Thr92Ser)

Gene: RET (ret proto-oncogene; plus strand). Cytogenetic location: 10q11.21.
Variant type: single nucleotide variant.
Coding change: c.275C>G on transcript NM_020975.6 (MANE Select); coding-DNA position 275, C replaced by G.
Protein change: p.Thr92Ser; replaces threonine 92 with serine.
Molecular consequence: missense variant. On other transcripts: intron variant (4).
Genome position (GRCh38, 1-based): chr10:43,100,660, C>G. VCF-style: chr10-43100660-C-G. GRCh37 (hg19) VCF-style: chr10-43596108-C-G.
Other names: c.275C>G, p.Thr92Ser (NM_001406790.1, NM_001406791.1, NM_020629.2 and 34 more transcripts); c.74-8371C>G (NM_001406784.1); c.74-11439C>G (NM_001406794.1, NM_001406792.1, NM_001406793.1); short protein forms T92S.
Identifiers: ClinVar variation 3227540 (VCV003227540.3), dbSNP rs2132663522, ClinGen allele CA376770468.